The following is an entry in ClinVar:

ClinVar aggregate classification (germline): Uncertain significance (1 of 4 stars; one submission).

Conditions:
Emery-Dreifuss muscular dystrophy 5, autosomal dominant (EDMD5). Also called: EMERY-DREIFUSS MUSCULAR DYSTROPHY 5. Identifiers: Orphanet 261, MedGen C2751805, MONDO:0013072, OMIM 612999.

Allele frequency attached by ClinVar (database versions not stated): gnomAD 0.00001; gnomAD exomes 0.00001 and 0.00002; ExAC 0.00002.
gnomAD v4.1: 13 of 1,613,812 alleles (0.00081%); highest among the groups gnomAD compares: Admixed American, 0.0017%; no homozygotes.

Submission:

Labcorp Genetics (formerly Invitae), Labcorp
Classification: Uncertain significance for Emery-Dreifuss muscular dystrophy 5, autosomal dominant. Last evaluated: 2026-01-26. Review status: criteria provided, single submitter. Criteria: Invitae Variant Classification Sherloc (09022015). Collection method: clinical testing. Allele origin: germline.
Comment: This sequence change replaces methionine, which is neutral and non-polar, with threonine, which is neutral and polar, at codon 2065 of the SYNE2 protein (p.Met2065Thr). This variant is present in population databases (rs768853189, gnomAD 0.003%). This variant has not been reported in the literature in individuals affected with SYNE2-related conditions. ClinVar contains an entry for this variant (Variation ID: 966190). An algorithm developed to predict the effect of missense changes on protein structure and function (PolyPhen-2) suggests that this variant is likely to be disruptive. In summary, the available evidence is currently insufficient to determine the role of this variant in disease. Therefore, it has been classified as a Variant of Uncertain Significance.

NM_182914.3(SYNE2):c.6194T>C (p.Met2065Thr)

Gene: SYNE2 (spectrin repeat containing nuclear envelope protein 2; plus strand). Cytogenetic location: 14q23.2.
Variant type: single nucleotide variant.
Coding change: c.6194T>C on transcript NM_182914.3 (MANE Select); coding-DNA position 6194, T replaced by C.
Protein change: p.Met2065Thr; replaces methionine 2065 with threonine.
Molecular consequence: missense variant.
Genome position (GRCh38, 1-based): chr14:64,025,363, T>C. VCF-style: chr14-64025363-T-C. GRCh37 (hg19) VCF-style: chr14-64492081-T-C.
Other names: c.6194T>C, p.Met2065Thr (NM_015180.6); short protein forms M2065T.
Identifiers: ClinVar variation 966190 (VCV000966190.9), dbSNP rs768853189, ClinGen allele CA7220636.
Genomic context (GRCh38, chr14:64,025,363, plus strand): 5'-GCTTTAATGATCTTGCACATGATGTAATTCATTGGATAAAAGAGATTAAAGAGTCCCTTA[T>C]GGTTTTGAATTCATCCGAAGGCAAAATGCCACTTGAGGAAAGAATCCAAAAAATCAAGGT-3'
Protein context (NP_878918.2, residues 2055-2075): HWIKEIKESL[Met2065Thr]VLNSSEGKMP